The following is an entry in ClinVar:

ClinVar aggregate classification (germline): Uncertain significance. Review status: criteria provided, multiple submitters, no conflicts (2 of 4 stars). 2 submissions from 2 submitters: Uncertain significance (2). Last evaluated 2024-11-25.

Conditions:
Inborn genetic diseases. Identifiers: MedGen C0950123, MeSH D030342.

gnomAD v4.1: 58 of 1,613,832 alleles (0.0036%); highest among the groups gnomAD compares: Non-Finnish European, 0.0047%; no homozygotes.

Submissions (2):

Labcorp Genetics (formerly Invitae), Labcorp
Classification: Uncertain significance. Last evaluated: 2024-11-25. Review status: criteria provided, single submitter. Criteria: Invitae Variant Classification Sherloc (09022015). Collection method: clinical testing. Allele origin: germline.
Comment: This sequence change replaces arginine, which is basic and polar, with threonine, which is neutral and polar, at codon 1170 of the FAT4 protein (p.Arg1170Thr). The frequency data for this variant in the population databases is considered unreliable, as metrics indicate poor data quality at this position in the gnomAD database. This variant has not been reported in the literature in individuals affected with FAT4-related conditions. ClinVar contains an entry for this variant (Variation ID: 2370777). Invitae Evidence Modeling of protein sequence and biophysical properties (such as structural, functional, and spatial information, amino acid conservation, physicochemical variation, residue mobility, and thermodynamic stability) indicates that this missense variant is not expected to disrupt FAT4 protein function with a negative predictive value of 95%. In summary, the available evidence is currently insufficient to determine the role of this variant in disease. Therefore, it has been classified as a Variant of Uncertain Significance.

Ambry Genetics
Classification: Uncertain significance for Inborn genetic diseases. Last evaluated: 2022-06-03. Review status: criteria provided, single submitter. Criteria: Ambry Variant Classification Scheme 2023. Collection method: clinical testing. Allele origin: germline.

NM_001291303.3(FAT4):c.3509G>C (p.Arg1170Thr)

Gene: FAT4 (FAT atypical cadherin 4; plus strand). Cytogenetic location: 4q28.1.
Variant type: single nucleotide variant.
Coding change: c.3509G>C on transcript NM_001291303.3 (MANE Select); coding-DNA position 3509, G replaced by C.
Protein change: p.Arg1170Thr; replaces arginine 1170 with threonine.
Molecular consequence: missense variant.
Genome position (GRCh38, 1-based): chr4:125,319,920, G>C. VCF-style: chr4-125319920-G-C. GRCh37 (hg19) VCF-style: chr4-126241075-G-C.
Other names: c.3509G>C, p.Arg1170Thr (NM_001291285.3, NM_024582.6); short protein forms R1170T.
Identifiers: ClinVar variation 2370777 (VCV002370777.4), dbSNP rs758712752, ClinGen allele CA3072321.